The following is an entry in ClinVar:

ClinVar aggregate classification (germline): Uncertain significance (1 of 4 stars; one submission).

Conditions:
Inborn genetic diseases. Identifiers: MedGen C0950123, MeSH D030342.

Submission:

Ambry Genetics
Classification: Uncertain significance for Inborn genetic diseases. Last evaluated: 2023-07-30. Review status: criteria provided, single submitter. Criteria: Ambry Variant Classification Scheme 2023. Collection method: clinical testing. Allele origin: germline.
Comment: The p.L2632F variant (also known as c.7896A>T), located in coding exon 47 of the ATR gene, results from an A to T substitution at nucleotide position 7896. The leucine at codon 2632 is replaced by phenylalanine, an amino acid with highly similar properties. This amino acid position is conserved. In addition, the in silico prediction for this alteration is inconclusive. Since supporting evidence is limited at this time, the clinical significance of this alteration remains unclear.

NM_001184.4(ATR):c.7896A>T (p.Leu2632Phe)

Gene: ATR (ATR checkpoint kinase; minus strand). Cytogenetic location: 3q23.
Variant type: single nucleotide variant.
Coding change: c.7896A>T on transcript NM_001184.4 (MANE Select); coding-DNA position 7896, A replaced by T.
Protein change: p.Leu2632Phe; replaces leucine 2632 with phenylalanine.
Molecular consequence: missense variant.
Genome position (GRCh38, 1-based): chr3:142,449,468, T>A on the plus strand (A>T on the coding strand, the complement: ATR is on the minus strand). VCF-style: chr3-142449468-T-A. GRCh37 (hg19) VCF-style: chr3-142168310-T-A.
Other names: c.7704A>T, p.Leu2568Phe (NM_001354579.2); short protein forms L2632F, L2568F.
Identifiers: ClinVar variation 2587579 (VCV002587579.2), dbSNP rs1489068438, ClinGen allele CA354793699.